The following is an entry in ClinVar:

ClinVar aggregate classification (germline): Uncertain significance. Review status: criteria provided, multiple submitters, no conflicts (2 of 4 stars). 2 submissions from 2 submitters: Uncertain significance (2). Last evaluated 2020-12-16.

Conditions:
Charcot-Marie-Tooth disease dominant intermediate C (CMTDIC). Also called: CHARCOT-MARIE-TOOTH NEUROPATHY, DOMINANT INTERMEDIATE C. Identifiers: Orphanet 100045, MedGen C1842237, MONDO:0012012, OMIM 608323.

gnomAD v4.1: 2 of 1,614,222 alleles (0.00012%); highest among the groups gnomAD compares: Non-Finnish European, 0.00017%; no homozygotes.

Submissions (2):

Illumina Laboratory Services, Illumina
Classification: Uncertain significance for Charcot-Marie-Tooth disease dominant intermediate C. Last evaluated: 2020-12-16. Review status: criteria provided, single submitter. Criteria: ICSLVariantClassificationCriteria RUGD 01 April 2020. Collection method: clinical testing. Allele origin: unknown.
Comment: The YARS1 c.410C>G (p.Ser137Cys) variant is a missense variant. A literature search was performed for the gene, cDNA change, and amino acid change. No publications were found based on this search. The p.Ser137Cys variant is not reported in the Genome Aggregation Database in a region of good sequence coverage, so the variant is presumed to be rare. Based on the limited evidence, the p.Ser137Cys variant is classified as a variant of uncertain significance for Charcot-Marie-Tooth disease, intermediate.

GeneDx
Classification: Uncertain significance. Last evaluated: 2017-08-01. Review status: criteria provided, single submitter. Criteria: GeneDx Variant Classification (06012015). Collection method: clinical testing. Allele origin: germline. Affected: yes.
Comment: The S137C variant in the YARS gene has not been reported previously as a pathogenic variant, nor as a benign variant, to our knowledge. The S137C variant is not observed in large population cohorts (Lek et al., 2016; 1000 Genomes Consortium et al., 2015; Exome Variant Server). The S137C variant is a non-conservative amino acid substitution, which is likely to impact secondary protein structure as these residues differ in polarity, charge, size and/or other properties. This substitution occurs at a position that is conserved across species. In silico analysis predicts this variant is probably damaging to the protein structure/function. We interpret S137C as a variant of uncertain significance.

NM_003680.4(YARS1):c.410C>G (p.Ser137Cys)

Gene: YARS1 (tyrosyl-tRNA synthetase 1; minus strand). Cytogenetic location: 1p35.1.
Variant type: single nucleotide variant.
Coding change: c.410C>G on transcript NM_003680.4 (MANE Select); coding-DNA position 410, C replaced by G.
Protein change: p.Ser137Cys; replaces serine 137 with cysteine.
Molecular consequence: missense variant.
Genome position (GRCh38, 1-based): chr1:32,806,582, G>C on the plus strand (C>G on the coding strand, the complement: YARS1 is on the minus strand). VCF-style: chr1-32806582-G-C. GRCh37 (hg19) VCF-style: chr1-33272183-G-C.
Other names: short protein forms S137C.
Identifiers: ClinVar variation 450882 (VCV000450882.6), dbSNP rs770608909, ClinGen allele CA339686911.
Genomic context (GRCh38, chr1:32,806,582, plus strand): 5'-TCCACCTGCTTTACCACCTCAGCTCCAGCCTTCTTGGAATCGTGCTGTGTGACCACGGAG[G>C]AGAGTCTGTACACATCTAGTGTGTACTCTCTGAAGAGGAAAGGAAGAGGGGACAGCTGTA-3'
Protein context (NP_003671.1, residues 127-147): KEYTLDVYRL[Ser137Cys]SVVTQHDSKK